The following is an entry in ClinVar:

ClinVar aggregate classification (germline): Benign/Likely benign. Review status: criteria provided, multiple submitters, no conflicts (2 of 4 stars). 10 submissions from 10 submitters: Benign (4); Likely benign (6). Last evaluated 2026-01-17.

Conditions:
Charcot-Marie-Tooth disease. Also called: Charcot-Marie-Tooth Hereditary Neuropathy; Charcot-Marie-Tooth Neuropathy. Identifiers: Orphanet 166, MedGen C0007959, MONDO:0015626.
Inborn genetic diseases. Identifiers: MedGen C0950123, MeSH D030342.
Charcot-Marie-Tooth disease type 2. Also called: Charcot-Marie-Tooth type 2. Identifiers: Orphanet 64746, MedGen C0270914, MONDO:0018993.

Allele frequency attached by ClinVar (database versions not stated): 1000 Genomes Project 0.00140; gnomAD 0.00153; TOPMed 0.00163; 1000 Genomes Project 30x 0.00172; ESP Exome Variant Server 0.00177.
gnomAD v4.1: 476 of 1,614,260 alleles (0.029%); highest among the groups gnomAD compares: African/African-American, 0.59%; 1 homozygote.

Submissions (10):

Labcorp Genetics (formerly Invitae), Labcorp
Classification: Benign for Charcot-Marie-Tooth disease type 2. Last evaluated: 2026-01-17. Review status: criteria provided, single submitter. Criteria: Invitae Variant Classification Sherloc (09022015). Collection method: clinical testing. Allele origin: germline.

Blueprint Genetics
Classification: Likely benign. Last evaluated: 2024-07-01. Review status: criteria provided, single submitter. Criteria: ACMG Guidelines, 2015. Collection method: clinical testing. Allele origin: germline.

CeGaT Center for Human Genetics Tuebingen
Classification: Likely benign. Last evaluated: 2023-11-01. Review status: criteria provided, single submitter. Criteria: CeGaT Center For Human Genetics Tuebingen Variant Classification Criteria Version 2. Collection method: clinical testing. Allele origin: germline. Affected: yes. Observed: 1 variant allele.
Comment: MFN2: BP4

GeneDx
Classification: Likely benign. Last evaluated: 2021-05-27. Review status: criteria provided, single submitter. Criteria: GeneDx Variant Classification Process June 2021. Collection method: clinical testing. Allele origin: germline. Affected: yes.
Comment: This variant is associated with the following publications: (PMID: 23615052, 22957060)

Ambry Genetics
Classification: Likely benign for Inborn genetic diseases. Last evaluated: 2020-12-30. Review status: criteria provided, single submitter. Criteria: Ambry Variant Classification Scheme 2023. Collection method: clinical testing. Allele origin: germline.

ARUP Laboratories, Molecular Genetics and Genomics, ARUP Laboratories
Classification: Likely benign. Last evaluated: 2020-12-12. Review status: criteria provided, single submitter. Criteria: ARUP Molecular Germline Variant Investigation Process 2021. Collection method: clinical testing. Allele origin: germline.

Athena Diagnostics
Classification: Benign. Last evaluated: 2018-05-04. Review status: criteria provided, single submitter. Criteria: Athena Diagnostics Criteria. Collection method: clinical testing. Allele origin: germline.

PreventionGenetics, part of Exact Sciences
Classification: Benign. Last evaluated: 2016-01-21. Review status: criteria provided, single submitter. Criteria: ACMG Guidelines, 2015. Collection method: clinical testing. Allele origin: germline.

Eurofins Ntd Llc (ga)
Classification: Likely benign. Last evaluated: 2015-06-05. Review status: criteria provided, single submitter. Criteria: EGL Classification Definitions 2015. Collection method: clinical testing. Allele origin: germline. Observed: 2 variant alleles, 2 heterozygotes.

Molecular Genetics Laboratory, London Health Sciences Centre
Classification: Benign for Charcot-Marie-Tooth disease. Review status: criteria provided, single submitter. Criteria: ACMG Guidelines, 2015. Collection method: clinical testing. Allele origin: germline. Affected: yes.

Literature cited by the submitters: PubMed 22957060 (cited by Athena Diagnostics); PubMed 23615052 (cited by Athena Diagnostics).

NM_014874.4(MFN2):c.1179G>A (p.Met393Ile)

Gene: MFN2 (mitofusin 2; plus strand). Cytogenetic location: 1p36.22.
Variant type: single nucleotide variant.
Coding change: c.1179G>A on transcript NM_014874.4 (MANE Select); coding-DNA position 1179, G replaced by A.
Protein change: p.Met393Ile; replaces methionine 393 with isoleucine.
Molecular consequence: missense variant.
Genome position (GRCh38, 1-based): chr1:12,004,010, G>A. VCF-style: chr1-12004010-G-A. GRCh37 (hg19) VCF-style: chr1-12064067-G-A.
Other names: p.M393I:ATG>ATA; c.1179G>A, p.Met393Ile (NM_001127660.2); short protein forms M393I.
Identifiers: ClinVar variation 194091 (VCV000194091.50), dbSNP rs12069578, ClinGen allele CA302734.